The following is an entry in ClinVar:

ClinVar aggregate classification (germline): Uncertain significance (1 of 4 stars; one submission).

Allele frequency attached by ClinVar (database versions not stated): ExAC 0.00001; gnomAD 0.00001.

Submission:

Labcorp Genetics (formerly Invitae), Labcorp
Classification: Uncertain significance. Last evaluated: 2021-03-05. Review status: criteria provided, single submitter. Criteria: Invitae Variant Classification Sherloc (09022015). Collection method: clinical testing. Allele origin: germline.
Comment: This variant is present in population databases (rs746616740, ExAC 0.009%). This sequence change replaces proline with alanine at codon 324 of the ABHD12 protein (p.Pro324Ala). The proline residue is moderately conserved and there is a small physicochemical difference between proline and alanine. This variant has not been reported in the literature in individuals with ABHD12-related conditions. Algorithms developed to predict the effect of missense changes on protein structure and function (SIFT, PolyPhen-2, Align-GVGD) all suggest that this variant is likely to be tolerated, but these predictions have not been confirmed by published functional studies and their clinical significance is uncertain. In summary, the available evidence is currently insufficient to determine the role of this variant in disease. Therefore, it has been classified as a Variant of Uncertain Significance.

NM_001042472.3(ABHD12):c.970C>G (p.Pro324Ala)

Gene: ABHD12 (abhydrolase domain containing 12, lysophospholipase; minus strand). Cytogenetic location: 20p11.21.
Variant type: single nucleotide variant.
Coding change: c.970C>G on transcript NM_001042472.3 (MANE Select); coding-DNA position 970, C replaced by G.
Protein change: p.Pro324Ala; replaces proline 324 with alanine.
Molecular consequence: missense variant.
Genome position (GRCh38, 1-based): chr20:25,303,609, G>C on the plus strand (C>G on the coding strand, the complement: ABHD12 is on the minus strand). VCF-style: chr20-25303609-G-C. GRCh37 (hg19) VCF-style: chr20-25284245-G-C.
Other names: c.970C>G, p.Pro324Ala (NM_015600.5); short protein forms P324A.
Identifiers: ClinVar variation 966060 (VCV000966060.9), dbSNP rs746616740, ClinGen allele CA9795916.
Genomic context (GRCh38, chr20:25,303,609, plus strand): 5'-CCTTTCTGCCAAGCTGGAAGGGCACCACCGGGTCGTCCTCAGCGTGCAGGATGAGCAGGG[G>C]ACAGGAGATGTGCTTCACGCTGTAGGAGGGAGAAGGGGCTAGACCAAGACCAGGGAAAGG-3'
Protein context (NP_001035937.1, residues 314-334): NDENVKHISC[Pro324Ala]LLILHAEDDP